The following is an entry in ClinVar:

ClinVar aggregate classification (germline): Uncertain significance (1 of 4 stars; one submission).

Conditions:
Primary ciliary dyskinesia. Also called: Ciliary dyskinesia. Identifiers: Orphanet 244, MedGen C0008780, MONDO:0016575, HP:0012265.

Allele frequency attached by ClinVar (database versions not stated): gnomAD exomes below 0.00001.

Submission:

Ambry Genetics
Classification: Uncertain significance for Primary ciliary dyskinesia. Last evaluated: 2017-07-19. Review status: criteria provided, single submitter. Criteria: Ambry Variant Classification Scheme 2023. Collection method: clinical testing. Allele origin: germline.
Comment: The p.G558R variant (also known as c.1672G>C), located in coding exon 13 of the CCDC114 gene, results from a G to C substitution at nucleotide position 1672. The glycine at codon 558 is replaced by arginine, an amino acid with dissimilar properties. This amino acid position is not well conserved in available vertebrate species. In addition, this alteration is predicted to be tolerated by in silico analysis. Since supporting evidence is limited at this time, the clinical significance of this alteration remains unclear.

NM_001364171.2(ODAD1):c.1783G>C (p.Gly595Arg)

Gene: ODAD1 (outer dynein arm docking complex subunit 1; minus strand). Cytogenetic location: 19q13.33.
Variant type: single nucleotide variant.
Coding change: c.1783G>C on transcript NM_001364171.2 (MANE Select); coding-DNA position 1783, G replaced by C.
Protein change: p.Gly595Arg; replaces glycine 595 with arginine.
Molecular consequence: missense variant.
Genome position (GRCh38, 1-based): chr19:48,297,317, C>G on the plus strand (G>C on the coding strand, the complement: ODAD1 is on the minus strand). VCF-style: chr19-48297317-C-G. GRCh37 (hg19) VCF-style: chr19-48800574-C-G.
Other names: c.1672G>C, p.Gly558Arg (NM_144577.4); short protein forms G558R, G595R.
Identifiers: ClinVar variation 1799634 (VCV001799634.2), dbSNP rs2515924516, ClinGen allele CA406653003.